The following is an entry in ClinVar:

ClinVar aggregate classification (germline): Uncertain significance (1 of 4 stars; one submission).

Conditions:
Malignant hyperthermia, susceptibility to, 1 (MHS1). Also called: Anesthesia related hyperthermia; Malignant hyperpyrexia; Fulminating hyperpyrexia; Pharmacogenic myopathy; RYR1-Related Malignant Hyperthermia Susceptibility; Malignant hyperthermia suceptibility 1. Identifiers: Orphanet 423, MedGen C2930980, MONDO:0007783, OMIM 145600.

Allele frequency attached by ClinVar (database versions not stated): gnomAD 0.00001; gnomAD exomes 0.00002; TOPMed below 0.00001; ExAC 0.00001.
gnomAD v4.1: 37 of 1,613,888 alleles (0.0023%); highest among the groups gnomAD compares: Non-Finnish European, 0.003%; no homozygotes.

Submission:

All of Us Research Program, National Institutes of Health
Classification: Uncertain significance for Malignant hyperthermia, susceptibility to, 1. Last evaluated: 2023-12-13. Review status: criteria provided, single submitter. Criteria: ACMG Guidelines, 2015. Collection method: clinical testing. Allele origin: germline. Inheritance: Autosomal dominant inheritance. Observed: 1 variant allele, 1 heterozygote.
Comment: This missense variant replaces histidine with tyrosine at codon 680 of the RYR1 protein. Computational prediction is inconclusive regarding the impact of this variant on protein structure and function (internally defined REVEL score threshold 0.5 < inconclusive < 0.7, PMID: 27666373). To our knowledge, functional studies have not been reported for this variant. This variant has not been reported in individuals affected with RYR1-related disorders in the literature. This variant has been identified in 2/282308 chromosomes in the general population by the Genome Aggregation Database (gnomAD). The available evidence is insufficient to determine the role of this variant in disease conclusively. Therefore, this variant is classified as a Variant of Uncertain Significance.

This study involves interpretation of variants in research participants for the purpose of population health screening. Participant phenotype was not available at the time of variant classification. Additional details can be found in publication PMID: 35346344, PMCID: PMC8962531

NM_000540.3(RYR1):c.2038C>T (p.His680Tyr)

Gene: RYR1 (ryanodine receptor 1; plus strand). Cytogenetic location: 19q13.2.
Variant type: single nucleotide variant.
Coding change: c.2038C>T on transcript NM_000540.3 (MANE Select); coding-DNA position 2038, C replaced by T.
Protein change: p.His680Tyr; replaces histidine 680 with tyrosine.
Molecular consequence: missense variant.
Genome position (GRCh38, 1-based): chr19:38,458,163, C>T. VCF-style: chr19-38458163-C-T. GRCh37 (hg19) VCF-style: chr19-38948803-C-T.
Other names: c.2038C>T, p.His680Tyr (NM_001042723.2); short protein forms H680Y.
Identifiers: ClinVar variation 3074821 (VCV003074821.1), dbSNP rs772751128, ClinGen allele CA062768.